The following is an entry in ClinVar:

NM_001846.4(COL4A2):c.2030T>G (p.Ile677Ser)

Gene: COL4A2 (collagen type IV alpha 2 chain; plus strand). Cytogenetic location: 13q34.
Variant type: single nucleotide variant.
Coding change: c.2030T>G on transcript NM_001846.4 (MANE Select); coding-DNA position 2030, T replaced by G.
Protein change: p.Ile677Ser; replaces isoleucine 677 with serine.
Molecular consequence: missense variant.
Genome position (GRCh38, 1-based): chr13:110,466,054, T>G. VCF-style: chr13-110466054-T-G. GRCh37 (hg19) VCF-style: chr13-111118401-T-G.
Other names: short protein forms I677S.
Identifiers: ClinVar variation 2996193 (VCV002996193.3), dbSNP rs989611081, ClinGen allele CA256316195.

ClinVar aggregate classification (germline): Uncertain significance (1 of 4 stars; one submission).

Allele frequency attached by ClinVar (database versions not stated): gnomAD exomes below 0.00001.
gnomAD v4.1: 6 of 1,613,734 alleles (0.00037%); highest among the groups gnomAD compares: African/African-American, 0.0013%; no homozygotes.

Submission:

Labcorp Genetics (formerly Invitae), Labcorp
Classification: Uncertain significance. Last evaluated: 2023-07-18. Review status: criteria provided, single submitter. Criteria: Invitae Variant Classification Sherloc (09022015). Collection method: clinical testing. Allele origin: germline.
Comment: Advanced modeling of protein sequence and biophysical properties (such as structural, functional, and spatial information, amino acid conservation, physicochemical variation, residue mobility, and thermodynamic stability) has been performed at Invitae for this missense variant, however the output from this modeling did not meet the statistical confidence thresholds required to predict the impact of this variant on COL4A2 protein function. In summary, the available evidence is currently insufficient to determine the role of this variant in disease. Therefore, it has been classified as a Variant of Uncertain Significance. This variant has not been reported in the literature in individuals affected with COL4A2-related conditions. This variant is not present in population databases (gnomAD no frequency). This sequence change replaces isoleucine, which is neutral and non-polar, with serine, which is neutral and polar, at codon 677 of the COL4A2 protein (p.Ile677Ser).